The following is an entry in ClinVar:

NM_001252024.2(TRPM1):c.2928A>G (p.Pro976=)

Genes: TRPM1 (transient receptor potential cation channel subfamily M member 1; minus strand), TRPM1-AS1 (TRPM1 antisense RNA 1; plus strand). Cytogenetic location: 15q13.3.
Variant type: single nucleotide variant.
Coding change: c.2928A>G on transcript NM_001252024.2 (MANE Select); coding-DNA position 2928, A replaced by G.
Protein change: p.Pro976=; no amino-acid change (proline 976 retained).
Molecular consequence: synonymous variant.
Genome position (GRCh38, 1-based): chr15:31,032,713, T>C on the plus strand (A>G on the coding strand, the complement: TRPM1 is on the minus strand). VCF-style: chr15-31032713-T-C. GRCh37 (hg19) VCF-style: chr15-31324916-T-C.
Other names: c.2979A>G, p.Pro993= (NM_001252020.2); c.2862A>G, p.Pro954= (NM_002420.6).
Identifiers: ClinVar variation 1437921 (VCV001437921.5), dbSNP rs2140912480, ClinGen allele CA489644032.

ClinVar aggregate classification (germline): Uncertain significance (1 of 4 stars; one submission).

Submission:

Labcorp Genetics (formerly Invitae), Labcorp
Classification: Uncertain significance. Last evaluated: 2021-09-01. Review status: criteria provided, single submitter. Criteria: Invitae Variant Classification Sherloc (09022015). Collection method: clinical testing. Allele origin: germline.
Comment: This sequence change affects codon 954 of the TRPM1 mRNA. It is a 'silent' change, meaning that it does not change the encoded amino acid sequence of the TRPM1 protein. This variant is not present in population databases (ExAC no frequency). This variant has not been reported in the literature in individuals affected with TRPM1-related conditions. Algorithms developed to predict the effect of sequence changes on RNA splicing suggest that this variant may create or strengthen a splice site. In summary, the available evidence is currently insufficient to determine the role of this variant in disease. Therefore, it has been classified as a Variant of Uncertain Significance.